The following is an entry in ClinVar:

NM_001377299.1(NDUFS2):c.386A>G (p.Tyr129Cys)

Gene: NDUFS2 (NADH:ubiquinone oxidoreductase core subunit S2; plus strand). Cytogenetic location: 1q23.3.
Variant type: single nucleotide variant.
Coding change: c.386A>G on transcript NM_001377299.1 (MANE Select); coding-DNA position 386, A replaced by G.
Protein change: p.Tyr129Cys; replaces tyrosine 129 with cysteine.
Molecular consequence: missense variant. On other transcripts: non-coding transcript variant (1).
Genome position (GRCh38, 1-based): chr1:161,206,590, A>G. VCF-style: chr1-161206590-A-G. GRCh37 (hg19) VCF-style: chr1-161176380-A-G.
Other names: c.386A>G, p.Tyr129Cys (NM_001166159.2, NM_001377298.1, NM_001377300.1 and 4 more transcripts); short protein forms Y129C.
Identifiers: ClinVar variation 3365853 (VCV003365853.1).

ClinVar aggregate classification (germline): Uncertain significance (1 of 4 stars; one submission).

Submission:

GeneDx
Classification: Uncertain significance. Last evaluated: 2023-12-28. Review status: criteria provided, single submitter. Criteria: GeneDx Variant Classification Process June 2021. Collection method: clinical testing. Allele origin: germline. Affected: yes.
Comment: Not observed at significant frequency in large population cohorts (gnomAD); In silico analysis supports that this missense variant has a deleterious effect on protein structure/function; Has not been previously published as pathogenic or benign to our knowledge